The following is an entry in ClinVar:

NM_001059.3(TACR3):c.*73C>T

Genes: TACR3 (tachykinin receptor 3; minus strand), TACR3-AS1 (TACR3 antisense RNA 1; plus strand). Cytogenetic location: 4q24.
Variant type: single nucleotide variant.
Coding change: c.*73C>T on transcript NM_001059.3 (MANE Select); 73 bases downstream of the stop codon, C replaced by T.
Molecular consequence: 3 prime UTR variant.
Genome position (GRCh38, 1-based): chr4:103,589,609, G>A on the plus strand (C>T on the coding strand, the complement: TACR3 is on the minus strand). VCF-style: chr4-103589609-G-A. GRCh37 (hg19) VCF-style: chr4-104510766-G-A.
Identifiers: ClinVar variation 347104 (VCV000347104.9), dbSNP rs2765, ClinGen allele CA10619788.

ClinVar aggregate classification (germline): Benign. Review status: criteria provided, multiple submitters, no conflicts (2 of 4 stars). 3 submissions from 3 submitters: Benign (3). Last evaluated 2018-06-26.

Conditions:
Hypogonadotropic hypogonadism 11 with or without anosmia (HH11). Also called: HYPOGONADOTROPIC HYPOGONADISM 11 WITHOUT ANOSMIA; TACR3-Related GnRH Deficiency. Identifiers: Orphanet 478, MedGen C3553844, MONDO:0013913, OMIM 614840.

Allele frequency attached by ClinVar (database versions not stated): 1000 Genomes Project 0.55032; 1000 Genomes Project 30x 0.56012; TOPMed 0.61864; gnomAD 0.62397 and 0.63284; gnomAD exomes 0.63296.
gnomAD v4.1: 993,833 of 1,574,150 alleles (63%); highest among the groups gnomAD compares: Admixed American, 67%; 317,480 homozygotes.

Submissions (3):

GeneDx
Classification: Benign. Last evaluated: 2018-06-26. Review status: criteria provided, single submitter. Criteria: GeneDx Variant Classification Process June 2021. Collection method: clinical testing. Allele origin: germline. Affected: yes.

Illumina Laboratory Services, Illumina
Classification: Benign for Hypogonadotropic hypogonadism 11 with or without anosmia. Last evaluated: 2018-01-13. Review status: criteria provided, single submitter. Criteria: ICSL Variant Classification Criteria 13 December 2019. Collection method: clinical testing. Allele origin: germline.
Comment: This variant was observed in the ICSL laboratory as part of a predisposition screen in an ostensibly healthy population. It had not been previously curated by ICSL or reported in the Human Gene Mutation Database (HGMD: prior to June 1st, 2018), and was therefore a candidate for classification through an automated scoring system. Utilizing variant allele frequency, disease prevalence and penetrance estimates, and inheritance mode, an automated score was calculated to assess if this variant is too frequent to cause the disease. Based on the score and internal cut-off values, a variant classified as benign is not then subjected to further curation. The score for this variant resulted in a classification of benign for this disease.

Breakthrough Genomics
Classification: Benign. Review status: criteria provided, single submitter. Criteria: ACMG Guidelines, 2015. Collection method: not provided. Allele origin: germline. Inheritance: Autosomal recessive inheritance. Affected: yes.